The following is an entry in ClinVar:

ClinVar aggregate classification (germline): Conflicting classifications of pathogenicity. Review status: criteria provided, conflicting classifications (1 of 4 stars). 7 submissions from 7 submitters: Uncertain significance (1); Benign (1); Likely benign (4). 1 of the submissions does not count toward it. Last evaluated 2026-07-01.

Conditions:
Chédiak-Higashi syndrome (CHS). Also called: Chediak-Higashi Syndrome. Identifiers: Orphanet 167, MedGen C0007965, MONDO:0008963, OMIM 214500.

Allele frequency attached by ClinVar (database versions not stated): 1000 Genomes Project 30x 0.00031; 1000 Genomes Project 0.00040; TOPMed 0.00114; gnomAD 0.00125 and 0.00126; gnomAD exomes 0.00138 and 0.00172; ExAC 0.00152; ESP Exome Variant Server 0.00192.
gnomAD v4.1: 2,671 of 1,613,634 alleles (0.17%); highest among the groups gnomAD compares: Non-Finnish European, 0.21%; 3 homozygotes.

Submissions (7):

CeGaT Center for Human Genetics Tuebingen
Classification: Likely benign. Last evaluated: 2026-07-01. Review status: criteria provided, single submitter. Criteria: CeGaT Center For Human Genetics Tuebingen Variant Classification Criteria Version 2. Collection method: clinical testing. Allele origin: germline. Affected: yes. Observed: 8 variant alleles.
Comment: LYST: BP4, BP7

Labcorp Genetics (formerly Invitae), Labcorp
Classification: Benign for Chédiak-Higashi syndrome. Last evaluated: 2026-02-01. Review status: criteria provided, single submitter. Criteria: Invitae Variant Classification Sherloc (09022015). Collection method: clinical testing. Allele origin: germline.

Mayo Clinic Laboratories, Mayo Clinic
Classification: Likely benign. Last evaluated: 2025-08-18. Review status: criteria provided, single submitter. Criteria: ACMG Guidelines, 2015. Collection method: clinical testing. Allele origin: germline. Observed: 7 variant alleles.
Comment: BS1, BP4, BP7

Blueprint Genetics
Classification: Likely benign. Last evaluated: 2024-11-11. Review status: criteria provided, single submitter. Criteria: ACMG Guidelines, 2015. Collection method: clinical testing. Allele origin: germline.

Illumina Laboratory Services, Illumina
Classification: Uncertain significance for Chédiak-Higashi syndrome. Last evaluated: 2018-01-12. Review status: criteria provided, single submitter. Criteria: ICSL Variant Classification Criteria 13 December 2019. Collection method: clinical testing. Allele origin: germline.

Clinical Genetics DNA and cytogenetics Diagnostics Lab, Erasmus MC, Erasmus Medical Center
Classification: Likely benign for Chédiak-Higashi syndrome. Last evaluated: 2017-06-28. Review status: criteria provided, single submitter. Criteria: ACGS Guidelines, 2013. Collection method: clinical testing. Allele origin: germline. Affected: yes. Study: VKGL Data-share Consensus.

Clinical Genetics, Academic Medical Center
Classification: Benign. Review status: no assertion criteria provided. Collection method: clinical testing. Allele origin: germline. Affected: yes. Study: VKGL Data-share Consensus. Not counted in ClinVar's aggregate classification.

NM_000081.4(LYST):c.8487C>T (p.Ile2829=)

Gene: LYST (lysosomal trafficking regulator; minus strand). Cytogenetic location: 1q42.3.
Variant type: single nucleotide variant.
Coding change: c.8487C>T on transcript NM_000081.4 (MANE Select); coding-DNA position 8487, C replaced by T.
Protein change: p.Ile2829=; no amino-acid change (isoleucine 2829 retained).
Molecular consequence: synonymous variant.
Genome position (GRCh38, 1-based): chr1:235,734,531, G>A on the plus strand (C>T on the coding strand, the complement: LYST is on the minus strand). VCF-style: chr1-235734531-G-A. GRCh37 (hg19) VCF-style: chr1-235897831-G-A.
Other names: p.Ile2829=; c.8487C>T, p.Ile2829= (NM_001301365.1).
Identifiers: ClinVar variation 522322 (VCV000522322.48), dbSNP rs144597913, ClinGen allele CA1465851.